The following is an entry in ClinVar:

ClinVar aggregate classification (germline): Pathogenic/Likely pathogenic. Review status: criteria provided, multiple submitters, no conflicts (2 of 4 stars). 2 submissions from 2 submitters: Pathogenic (1); Likely pathogenic (1). Last evaluated 2024-10-10.

Conditions:
Alport syndrome. Also called: Hemorrhagic familial nephritis; Hemorrhagic hereditary nephritis; Congenital hereditary hematuria. Identifiers: Orphanet 63, MedGen C1567741, MONDO:0018965.

Submissions (2):

Victorian Clinical Genetics Services, Murdoch Childrens Research Institute
Classification: Pathogenic for Alport syndrome. Last evaluated: 2024-10-10. Review status: criteria provided, single submitter. Criteria: ACMG Guidelines, 2015. Collection method: clinical testing. Allele origin: germline. Affected: yes.
Comment: Based on the classification scheme VCGS_Germline_v1.3.5, this variant is classified as Pathogenic. Following criteria are met: 0103 - Dominant negative and loss of function are known mechanisms of disease in this gene and are associated with Alport syndrome, MONDO:0018965, COL4A3-related. Glycine changes that are part of a G-X-Y repeat in the triple helix of a collagen domain are known to have a dominant negative effect (PMID: 12028435). (I) 0108 - This gene is associated with both recessive and dominant disease, Alport syndrome 3B (MIM#620536) and Alport syndrome 3A (MIM#104200), respectively (OMIM). (I) 0211 - Canonical splice site variant without proven consequence on splicing (no functional evidence available). (SP) 0251 - This variant is heterozygous. (I) 0301 - Variant is absent from gnomAD (v2, v3 and v4). (SP) 0505 - Abnormal splicing is predicted by in silico tools and affected nucleotide is highly conserved. (SP) 0704 - Another splice site variant comparable to the one identified in this case has limited previous evidence for pathogenicity. c.2980+2T>A has been reported once in an individual with proteinuria (PMID: 27281700). (SP) 0803 - This variant has limited previous evidence of pathogenicity in unrelated individuals. This variant has been reported once as likely pathogenic (ClinVar) and in an individual with haematuria and proteinuria (PMID: 14871398). (SP) 1007 - No published functional evidence has been identified for this variant. (I) 1208 - Inheritance information for this variant is not currently available in this individual. (I) Legend: (SP) - Supporting pathogenic, (I) - Information, (SB) - Supporting benign

Labcorp Genetics (formerly Invitae), Labcorp
Classification: Likely pathogenic. Last evaluated: 2023-02-19. Review status: criteria provided, single submitter. Criteria: Invitae Variant Classification Sherloc (09022015). Collection method: clinical testing. Allele origin: germline.
Comment: This sequence change affects a donor splice site in intron 35 of the COL4A3 gene. It is expected to disrupt RNA splicing. Variants that disrupt the donor or acceptor splice site typically lead to a loss of protein function (PMID: 16199547), and loss-of-function variants in COL4A3 are known to be pathogenic (PMID: 8956999, 24854265, 26809805, 27281700). In summary, the currently available evidence indicates that the variant is pathogenic, but additional data are needed to prove that conclusively. Therefore, this variant has been classified as Likely Pathogenic. Algorithms developed to predict the effect of sequence changes on RNA splicing suggest that this variant may disrupt the consensus splice site. Disruption of this splice site has been observed in individual(s) with COL4A3-related conditions (PMID: 14871398). This variant is not present in population databases (gnomAD no frequency).

Literature cited by the submitters: PubMed 12028435 (cited by Victorian Clinical Genetics Services, Murdoch Childrens Research Institute); PubMed 14871398 (cited by Victorian Clinical Genetics Services, Murdoch Childrens Research Institute and Labcorp Genetics (formerly Invitae), Labcorp); PubMed 27281700 (cited by Victorian Clinical Genetics Services, Murdoch Childrens Research Institute and Labcorp Genetics (formerly Invitae), Labcorp); PubMed 16199547 (cited by Labcorp Genetics (formerly Invitae), Labcorp); PubMed 8956999 (cited by Labcorp Genetics (formerly Invitae), Labcorp); PubMed 24854265 (cited by Labcorp Genetics (formerly Invitae), Labcorp); PubMed 26809805 (cited by Labcorp Genetics (formerly Invitae), Labcorp).

NM_000091.5(COL4A3):c.2980+1G>A

Genes: COL4A3 (collagen type IV alpha 3 chain; plus strand), MFF-DT (MFF divergent transcript; minus strand). Cytogenetic location: 2q36.3.
Variant type: single nucleotide variant.
Coding change: c.2980+1G>A on transcript NM_000091.5 (MANE Select); the canonical splice donor site of the intron after coding-DNA position 2980, G replaced by A.
Molecular consequence: splice donor variant.
Genome position (GRCh38, 1-based): chr2:227,289,249, G>A. VCF-style: chr2-227289249-G-A. GRCh37 (hg19) VCF-style: chr2-228153965-G-A.
Other names: c.2980+1G>A (NM_000091.4).
Identifiers: ClinVar variation 2734421 (VCV002734421.4), dbSNP rs2469816514, ClinGen allele CA350854578.